The following is an entry in ClinVar:

NM_024665.7(TBL1XR1):c.291A>G (p.Gln97=)

Gene: TBL1XR1 (TBL1X/Y related 1; minus strand). Cytogenetic location: 3q26.32.
Variant type: single nucleotide variant.
Coding change: c.291A>G on transcript NM_024665.7 (MANE Select); coding-DNA position 291, A replaced by G.
Protein change: p.Gln97=; no amino-acid change (glutamine 97 retained).
Molecular consequence: synonymous variant.
Genome position (GRCh38, 1-based): chr3:177,051,640, T>C on the plus strand (A>G on the coding strand, the complement: TBL1XR1 is on the minus strand). VCF-style: chr3-177051640-T-C. GRCh37 (hg19) VCF-style: chr3-176769428-T-C.
Other names: p.Gln97=; c.291A>G, p.Gln97= (NM_001321193.3, NM_001321194.3, NM_001374327.1 and 2 more transcripts); c.30A>G, p.Gln10= (NM_001321195.3, NM_001374330.1); c.291A>G (NM_024665.6).
Identifiers: ClinVar variation 468535 (VCV000468535.46), dbSNP rs61750379, ClinGen allele CA2710016.

ClinVar aggregate classification (germline): Benign/Likely benign. Review status: criteria provided, multiple submitters, no conflicts (2 of 4 stars). 7 submissions from 7 submitters: Benign (6); Likely benign (1). Last evaluated 2026-09-01.

Conditions:
Inborn genetic diseases. Identifiers: MedGen C0950123, MeSH D030342.
Pierpont syndrome (PRPTS). Identifiers: Orphanet 487825, MedGen C1865644, MONDO:0011213, OMIM 602342.

Allele frequency attached by ClinVar (database versions not stated): 1000 Genomes Project 0.00120; 1000 Genomes Project 30x 0.00125; ESP Exome Variant Server 0.00384; TOPMed 0.00385; gnomAD 0.00431 and 0.00455; gnomAD exomes 0.00446 and 0.00715; ExAC 0.00450.
gnomAD v4.1: 10,964 of 1,613,684 alleles (0.68%); highest among the groups gnomAD compares: Non-Finnish European, 0.83%; 63 homozygotes.

Submissions (7):

CeGaT Center for Human Genetics Tuebingen
Classification: Benign. Last evaluated: 2026-09-01. Review status: criteria provided, single submitter. Criteria: CeGaT Center For Human Genetics Tuebingen Variant Classification Criteria Version 2. Collection method: clinical testing. Allele origin: germline. Affected: yes. Observed: 26 variant alleles.
Comment: TBL1XR1: BP4, BS1, BS2

Labcorp Genetics (formerly Invitae), Labcorp
Classification: Benign for Pierpont syndrome. Last evaluated: 2026-02-03. Review status: criteria provided, single submitter. Criteria: Invitae Variant Classification Sherloc (09022015). Collection method: clinical testing. Allele origin: germline.

ARUP Laboratories, Molecular Genetics and Genomics, ARUP Laboratories
Classification: Benign. Last evaluated: 2025-04-25. Review status: criteria provided, single submitter. Criteria: ARUP Molecular Germline Variant Investigation Process 2024. Collection method: clinical testing. Allele origin: germline.

Athena Diagnostics
Classification: Benign. Last evaluated: 2024-03-05. Review status: criteria provided, single submitter. Criteria: Athena Diagnostics Criteria. Collection method: clinical testing. Allele origin: unknown.

Mayo Clinic Laboratories, Mayo Clinic
Classification: Benign. Last evaluated: 2023-07-07. Review status: criteria provided, single submitter. Criteria: ACMG Guidelines, 2015. Collection method: clinical testing. Allele origin: germline. Observed: 3 variant alleles.
Comment: BS1, BS2, BP4, BP7

GeneDx
Classification: Benign. Last evaluated: 2018-08-13. Review status: criteria provided, single submitter. Criteria: GeneDx Variant Classification Process June 2021. Collection method: clinical testing. Allele origin: germline. Affected: yes.

Ambry Genetics
Classification: Likely benign for Inborn genetic diseases. Last evaluated: 2016-08-09. Review status: criteria provided, single submitter. Criteria: Ambry Variant Classification Scheme 2023. Collection method: clinical testing. Allele origin: germline.